The following is an entry in ClinVar:

NM_001370259.2(MEN1):c.238del (p.Val80fs)

Gene: MEN1 (menin 1; minus strand). Cytogenetic location: 11q13.1.
Variant type: Deletion.
Coding change: c.238del on transcript NM_001370259.2 (MANE Select); coding-DNA position 238, one base deleted (G; older notation c.238delG).
Protein change: p.Val80fs; shifts the reading frame from valine 80.
Molecular consequence: frameshift variant.
Genome position (GRCh38, 1-based): chr11:64,809,872, C deleted on the plus strand (G on the coding strand, the reverse complement: MEN1 is on the minus strand). VCF-style (leftmost placement, unchanged base first): chr11-64809871-AC-A. GRCh37 (hg19) VCF-style: chr11-64577343-AC-A.
Other names: c.238del, p.Val80fs (NM_000244.4, NM_001370251.2, NM_001370260.2 and 9 more transcripts); short protein forms V80fs.
Identifiers: ClinVar variation 1069786 (VCV001069786.9), dbSNP rs2136188216, ClinGen allele CA2499221169.

ClinVar aggregate classification (germline): Pathogenic. Review status: criteria provided, multiple submitters, no conflicts (2 of 4 stars). 2 submissions from 2 submitters: Pathogenic (2). Last evaluated 2023-07-07.

Conditions:
Multiple endocrine neoplasia, type 1 (MEN1). Also called: MEN I; WERMER SYNDROME; Endocrine adenomatosis multiple; MEN 1; MEA I. Identifiers: Orphanet 652, MedGen C0025267, MeSH D018761, MONDO:0007540, OMIM 131100.

Submissions (2):

KCCC/NGS Laboratory, Kuwait Cancer Control Center
Classification: Pathogenic for Multiple endocrine neoplasia, type 1. Last evaluated: 2023-07-07. Review status: criteria provided, single submitter. Criteria: ACMG Guidelines, 2015. Collection method: clinical testing. Allele origin: unknown. Affected: yes.

Labcorp Genetics (formerly Invitae), Labcorp
Classification: Pathogenic for Multiple endocrine neoplasia, type 1. Last evaluated: 2020-05-20. Review status: criteria provided, single submitter. Criteria: Invitae Variant Classification Sherloc (09022015). Collection method: clinical testing. Allele origin: germline.
Comment: For these reasons, this variant has been classified as Pathogenic. This sequence change creates a premature translational stop signal (p.Val80Trpfs*39) in the MEN1 gene. It is expected to result in an absent or disrupted protein product. This variant is not present in population databases (ExAC no frequency). This variant has been observed in individual(s) with MEN1 disease (Invitae). A different variant (c.237del) giving rise to the same protein effect observed here (p.Val80Trpfs*39) has been determined to be pathogenic (PMID: 12108687). This suggests that this variant is also likely to be causative of disease. Loss-of-function variants in MEN1 are known to be pathogenic (PMID: 12112656, 17853334).

Literature cited by the submitters: PubMed 12108687 (cited by Labcorp Genetics (formerly Invitae), Labcorp); PubMed 12112656 (cited by Labcorp Genetics (formerly Invitae), Labcorp); PubMed 17853334 (cited by Labcorp Genetics (formerly Invitae), Labcorp).